The following is an entry in ClinVar:

ClinVar aggregate classification (germline): Uncertain significance (1 of 4 stars; one submission).

Submission:

GeneDx
Classification: Uncertain significance. Last evaluated: 2024-02-05. Review status: criteria provided, single submitter. Criteria: GeneDx Variant Classification Process June 2021. Collection method: clinical testing. Allele origin: germline. Affected: yes.
Comment: Not observed at significant frequency in large population cohorts (gnomAD); In silico analysis supports that this missense variant has a deleterious effect on protein structure/function; Has not been previously published as pathogenic or benign to our knowledge

NM_001378452.1(ITPR1):c.5636T>A (p.Ile1879Asn)

Gene: ITPR1 (inositol 1,4,5-trisphosphate receptor type 1; plus strand). Cytogenetic location: 3p26.1.
Variant type: single nucleotide variant.
Coding change: c.5636T>A on transcript NM_001378452.1 (MANE Select); coding-DNA position 5636, T replaced by A.
Protein change: p.Ile1879Asn; replaces isoleucine 1879 with asparagine.
Molecular consequence: missense variant.
Genome position (GRCh38, 1-based): chr3:4,766,621, T>A. VCF-style: chr3-4766621-T-A. GRCh37 (hg19) VCF-style: chr3-4808305-T-A.
Other names: c.5492T>A, p.Ile1831Asn (NM_001099952.4); c.5591T>A, p.Ile1864Asn (NM_001168272.2); c.5447T>A, p.Ile1816Asn (NM_002222.7); short protein forms I1816N, I1831N, I1864N, I1879N.
Identifiers: ClinVar variation 3368728 (VCV003368728.1).